The following is an entry in ClinVar:

NM_024408.4(NOTCH2):c.4624C>G (p.Leu1542Val)

Gene: NOTCH2 (notch receptor 2; minus strand). Cytogenetic location: 1p12.
Variant type: single nucleotide variant.
Coding change: c.4624C>G on transcript NM_024408.4 (MANE Select); coding-DNA position 4624, C replaced by G.
Protein change: p.Leu1542Val; replaces leucine 1542 with valine.
Molecular consequence: missense variant.
Genome position (GRCh38, 1-based): chr1:119,923,872, G>C on the plus strand (C>G on the coding strand, the complement: NOTCH2 is on the minus strand). VCF-style: chr1-119923872-G-C. GRCh37 (hg19) VCF-style: chr1-120466495-G-C.
Other names: short protein forms L1542V.
Identifiers: ClinVar variation 2993761 (VCV002993761.3), dbSNP rs1363405327, ClinGen allele CA341889012.
Genomic context (GRCh38, chr1:119,923,872, plus strand): 5'-CATCCTGGAGCAGTTGTTCAGGTGGCATCAATACCACAATAACCAGGGTACCTTCTGCCA[G>C]GTTCTCAGGTTGGTCAGCAGCACAGTCCAGCCCATCCCAACCACACTCCTCACTGTTGCA-3'
Protein context (NP_077719.2, residues 1532-1552): LDCAADQPEN[Leu1542Val]AEGTLVIVVL

ClinVar aggregate classification (germline): Uncertain significance (1 of 4 stars; one submission).

Conditions:
Hajdu-Cheney syndrome (HJCYS). Also called: SERPENTINE FIBULA-POLYCYSTIC KIDNEY SYNDROME; Acroosteolysis dominant type; ACROOSTEOLYSIS WITH OSTEOPOROSIS AND CHANGES IN SKULL AND MANDIBLE. Identifiers: Orphanet 955, MedGen C0917715, MONDO:0007057, OMIM 102500.

gnomAD v4.1: 6 of 1,614,166 alleles (0.00037%); highest among the groups gnomAD compares: South Asian, 0.0044%; no homozygotes.

Submission:

Labcorp Genetics (formerly Invitae), Labcorp
Classification: Uncertain significance for Hajdu-Cheney syndrome. Last evaluated: 2024-05-12. Review status: criteria provided, single submitter. Criteria: Invitae Variant Classification Sherloc (09022015). Collection method: clinical testing. Allele origin: germline.
Comment: This sequence change replaces leucine, which is neutral and non-polar, with valine, which is neutral and non-polar, at codon 1542 of the NOTCH2 protein (p.Leu1542Val). This variant is present in population databases (no rsID available, gnomAD 0.003%). This variant has not been reported in the literature in individuals affected with NOTCH2-related conditions. Advanced modeling of protein sequence and biophysical properties (such as structural, functional, and spatial information, amino acid conservation, physicochemical variation, residue mobility, and thermodynamic stability) performed at Invitae indicates that this missense variant is not expected to disrupt NOTCH2 protein function with a negative predictive value of 80%. In summary, the available evidence is currently insufficient to determine the role of this variant in disease. Therefore, it has been classified as a Variant of Uncertain Significance.